The following is an entry in ClinVar:

ClinVar aggregate classification (germline): Pathogenic. Review status: criteria provided, multiple submitters, no conflicts (2 of 4 stars). 2 submissions from 2 submitters: Pathogenic (2). Last evaluated 2024-03-25.

Conditions:
Glutaric aciduria, type 1. Also called: GA I; Glutaryl-CoA dehydrogenase deficiency; Glutaric acidemia type I; Glutaricacidemia Type 1; Glutaricaciduria, type I; Glutaric Acidemia Type 1. Identifiers: Orphanet 25, MedGen C0268595, MONDO:0009281, OMIM 231670.

Submissions (2):

Genomic Medicine Center of Excellence, King Faisal Specialist Hospital and Research Centre
Classification: Pathogenic for Glutaric aciduria, type 1. Last evaluated: 2024-03-25. Review status: criteria provided, single submitter. Criteria: ACMG Guidelines, 2015. Collection method: clinical testing. Allele origin: germline.

Baylor Genetics
Classification: Pathogenic for Glutaric aciduria, type 1. Last evaluated: 2020-02-06. Review status: criteria provided, single submitter. Criteria: ACMG Guidelines, 2015. Collection method: clinical testing. Allele origin: unknown. Affected: yes.
Comment: This variant was determined to be pathogenic according to ACMG Guidelines, 2015 [PMID:25741868].

NM_000159.4(GCDH):c.1243+1G>T

Gene: GCDH (glutaryl-CoA dehydrogenase; plus strand). Cytogenetic location: 19p13.13.
Variant type: single nucleotide variant.
Coding change: c.1243+1G>T on transcript NM_000159.4 (MANE Select); the canonical splice donor site of the intron after coding-DNA position 1243, G replaced by T.
Molecular consequence: splice donor variant.
Genome position (GRCh38, 1-based): chr19:12,897,864, G>T. VCF-style: chr19-12897864-G-T. GRCh37 (hg19) VCF-style: chr19-13008678-G-T.
Other names: c.1243+1G>T (NM_013976.5).
Identifiers: ClinVar variation 1028582 (VCV001028582.2), dbSNP rs1970723970, ClinGen allele CA404321907.
Genomic context (GRCh38, chr19:12,897,864, plus strand): 5'-CTGACGAGTATCACGTGATCCGGCACGCCATGAACCTGGAGGCCGTGAACACCTACGAAG[G>T]TAGGAGCTGGACCTCAGAGGGCTCACTGAGGCCTCAGTGTCTGGGGAGGGGGTACAGGGA-3'